The following is an entry in ClinVar:

NM_000038.6(APC):c.2960C>T (p.Ser987Phe)

Gene: APC (APC regulator of Wnt signaling pathway; plus strand). Cytogenetic location: 5q22.2.
Variant type: single nucleotide variant.
Coding change: c.2960C>T on transcript NM_000038.6 (MANE Select); coding-DNA position 2960, C replaced by T.
Protein change: p.Ser987Phe; replaces serine 987 with phenylalanine.
Molecular consequence: missense variant. On other transcripts: non-coding transcript variant (2).
Genome position (GRCh38, 1-based): chr5:112,838,554, C>T. VCF-style: chr5-112838554-C-T. GRCh37 (hg19) VCF-style: chr5-112174251-C-T.
Other names: c.2960C>T, p.Ser987Phe (NM_001127510.3, NM_001354895.2, NM_001407450.1); c.2906C>T, p.Ser969Phe (NM_001127511.3); c.3014C>T, p.Ser1005Phe (NM_001354896.2, NM_001407447.1, NM_001407448.1 and 1 more transcripts); c.2990C>T, p.Ser997Phe (NM_001354897.2); c.2885C>T, p.Ser962Phe (NM_001354898.2); c.2876C>T, p.Ser959Phe (NM_001354899.2); c.2837C>T, p.Ser946Phe (NM_001354900.2); c.2783C>T, p.Ser928Phe (NM_001354901.2, NM_001407453.1); and 11 more; short protein forms S1005F, S1015F, S603F, S704F, S827F, S858F, S861F, S886F.
Identifiers: ClinVar variation 4810137 (VCV004810137.1).
Genomic context (GRCh38, chr5:112,838,554, plus strand): 5'-TCAGTAGTAGTGATGGTTATGGTAAAAGAGGTCAAATGAAACCCTCGATTGAATCCTATT[C>T]TGAAGATGATGAAAGTAAGTTTTGCAGTTATGGTCAATACCCAGCCGACCTAGCCCATAA-3'
Protein context (NP_000029.2, residues 977-997): GQMKPSIESY[Ser987Phe]EDDESKFCSY

ClinVar aggregate classification (germline): Uncertain significance (1 of 4 stars; one submission).

Conditions:
Familial adenomatous polyposis 1 (FAP1). Also called: FAMILIAL ADENOMATOUS POLYPOSIS 1, ATTENUATED; POLYPOSIS, ADENOMATOUS INTESTINAL. Identifiers: MedGen C2713442, MONDO:0021056, OMIM 175100. Disease mechanism: loss of function.

Submission:

Labcorp Genetics (formerly Invitae), Labcorp
Classification: Uncertain significance for Familial adenomatous polyposis 1. Last evaluated: 2025-11-12. Review status: criteria provided, single submitter. Criteria: Invitae Variant Classification Sherloc (09022015). Collection method: clinical testing. Allele origin: germline.
Comment: This sequence change replaces serine, which is neutral and polar, with phenylalanine, which is neutral and non-polar, at codon 987 of the APC protein (p.Ser987Phe). This variant is not present in population databases (gnomAD no frequency). This variant has not been reported in the literature in individuals affected with APC-related conditions. Invitae Evidence Modeling of protein sequence and biophysical properties (such as structural, functional, and spatial information, amino acid conservation, physicochemical variation, residue mobility, and thermodynamic stability) indicates that this missense variant is not expected to disrupt APC protein function with a negative predictive value of 95%. In summary, the available evidence is currently insufficient to determine the role of this variant in disease. Therefore, it has been classified as a Variant of Uncertain Significance.